The following is an entry in ClinVar:

ClinVar aggregate classification (germline): Pathogenic. Review status: reviewed by expert panel (3 of 4 stars). 12 submissions from 12 submitters: Pathogenic (1). 11 of the submissions do not count toward it. Last evaluated 2016-09-08.

Conditions:
Hereditary cancer-predisposing syndrome. Also called: Tumor predisposition; Neoplastic Syndromes, Hereditary; Hereditary Cancer Syndrome; Hereditary neoplastic syndrome. Identifiers: Orphanet 140162, MedGen C0027672, MeSH D009386, MONDO:0015356.
Hereditary breast ovarian cancer syndrome. Also called: Hereditary breast and ovarian cancer syndrome (HBOC); Hereditary breast and ovarian cancer syndrome; Hereditary breast and ovarian cancer; Hereditary breast and/or ovarian cancer syndrome; Breast and ovarian cancer; BRCA1- and BRCA2-Associated Hereditary Breast and Ovarian Cancer. Identifiers: Orphanet 145, MedGen C0677776, MeSH D061325, MONDO:0003582. Disease mechanism: loss of function.
Breast-ovarian cancer, familial, susceptibility to, 1 (BROVCA1). Also called: OVARIAN CANCER, SUSCEPTIBILITY TO; BRCA1 Hereditary Breast and Ovarian Cancer. Identifiers: Orphanet 145, MedGen C2676676, MONDO:0011450, OMIM 604370. Disease mechanism: loss of function.

Submissions (12):

Evidence-based Network for the Interpretation of Germline Mutant Alleles (ENIGMA)
Classification: Pathogenic for Breast-ovarian cancer, familial, susceptibility to, 1. Last evaluated: 2016-09-08. Review status: reviewed by expert panel. Criteria: ENIGMA BRCA1/2 Classification Criteria (2015). Collection method: curation. Allele origin: germline.
Comment: Variant allele predicted to encode a truncated non-functional protein.

Women's Health and Genetics/Laboratory Corporation of America, LabCorp
Classification: Pathogenic for Hereditary breast ovarian cancer syndrome. Last evaluated: 2025-05-12. Review status: criteria provided, single submitter. Criteria: LabCorp Variant Classification Summary - May 2015. Collection method: clinical testing. Allele origin: germline. Not counted in ClinVar's aggregate classification.
Comment: Variant summary: BRCA1 c.1292dupT (p.Leu431PhefsX5) results in a premature termination codon, predicted to cause a truncation of the encoded protein or absence of the protein due to nonsense mediated decay, which are commonly known mechanisms for disease. The variant was absent in 250906 control chromosomes. c.1292dupT has been observed in the presumed heterozygous state in at least 1 individual(s) affected with clinical features of Hereditary Breast And Ovarian Cancer Syndrome (example, Hovland_2022). These report(s) do not provide unequivocal conclusions about association of the variant with Hereditary Breast And Ovarian Cancer Syndrome. To our knowledge, no experimental evidence demonstrating an impact on protein function has been reported. The following publication has been ascertained in the context of this evaluation (PMID: 34981296). ClinVar contains an entry for this variant (Variation ID: 54188). Based on the evidence outlined above, the variant was classified as pathogenic.

Quest Diagnostics Nichols Institute San Juan Capistrano
Classification: Pathogenic. Last evaluated: 2025-04-02. Review status: criteria provided, single submitter. Criteria: Quest Diagnostics criteria. Collection method: clinical testing. Allele origin: unknown. Not counted in ClinVar's aggregate classification.
Comment: The BRCA1 c.1292dup (p.Leu431Phefs*5) variant alters the translational reading frame of the BRCA1 mRNA and causes the premature termination of BRCA1 protein synthesis. This variant has been reported in the published literature in individuals and families affected with breast and/or ovarian cancer (PMIDs: 25103822 (2014), 24312913 (2013), 23199084 (2010), 7663517 (1995)). The frequency of this variant in the general population (Genome Aggregation Database) is consistent with pathogenicity. Based on the available information, this variant is classified as pathogenic.

Labcorp Genetics (formerly Invitae), Labcorp
Classification: Pathogenic for Hereditary breast ovarian cancer syndrome. Last evaluated: 2025-03-02. Review status: criteria provided, single submitter. Criteria: Invitae Variant Classification Sherloc (09022015). Collection method: clinical testing. Allele origin: germline. Not counted in ClinVar's aggregate classification.
Comment: This sequence change creates a premature translational stop signal (p.Leu431Phefs*5) in the BRCA1 gene. It is expected to result in an absent or disrupted protein product. Loss-of-function variants in BRCA1 are known to be pathogenic (PMID: 20104584). This variant is present in population databases (rs80357528, gnomAD 0.007%). This premature translational stop signal has been observed in individual(s) with breast cancer and pancreatic cancer (PMID: 7663517, 28900739, 29339979). This variant is also known as 1409insT and 1411insT. ClinVar contains an entry for this variant (Variation ID: 54188). For these reasons, this variant has been classified as Pathogenic.

Ambry Genetics
Classification: Pathogenic for Hereditary cancer-predisposing syndrome. Last evaluated: 2024-09-13. Review status: criteria provided, single submitter. Criteria: Ambry Variant Classification Scheme 2023. Collection method: clinical testing. Allele origin: germline. Not counted in ClinVar's aggregate classification.
Comment: The c.1292dupT pathogenic mutation, located in coding exon 9 of the BRCA1 gene, results from a duplication of T at nucleotide position 1292, causing a translational frameshift with a predicted alternate stop codon (p.L431Ffs*5). This mutation has been reported in numerous individuals with hereditary breast and/or ovarian cancer, and has been reported as a common mutation in the Dutch population (Hogervorst FB et al. Nat. Genet., 1995 Jun;10:208-12; Janaviius R. EPMA J, 2010 Sep;1:397-412; Vos JR et al. Cancer Epidemiol. Biomarkers Prev., 2014 Nov;23:2482-91; Karami F et al. Biomed Res Int, 2013 Nov;2013:928562; Papelard H et al. Br. J. Cancer, 2000 Sep;83:719-24). Of note, this alteration is also designated as 1411insT and 1409insT in published literature. In addition to the clinical data presented in the literature, this alteration is expected to result in loss of function by premature protein truncation or nonsense-mediated mRNA decay. As such, this alteration is interpreted as a disease-causing mutation.

Consortium of Investigators of Modifiers of BRCA1/2 (CIMBA), c/o University of Cambridge
Classification: Pathogenic for Breast-ovarian cancer, familial, susceptibility to, 1. Last evaluated: 2015-10-02. Review status: criteria provided, single submitter. Criteria: CIMBA Mutation Classification guidelines May 2016. Collection method: clinical testing. Allele origin: germline. Not counted in ClinVar's aggregate classification.

Department of Medical Genetics, Oslo University Hospital
Classification: Pathogenic for Breast-ovarian cancer, familial, susceptibility to, 1. Last evaluated: 2015-07-01. Review status: criteria provided, single submitter. Criteria: ACMG Guidelines, 2015. Collection method: clinical testing. Allele origin: germline. Affected: yes. Observed: 8 variant alleles. Not counted in ClinVar's aggregate classification.

Research Molecular Genetics Laboratory, Women's College Hospital, University of Toronto
Classification: Pathogenic for Hereditary breast ovarian cancer syndrome. Last evaluated: 2014-01-31. Review status: no assertion criteria provided. Collection method: research. Allele origin: germline. Affected: yes. Study: The Canadian Open Genetics Repository (COGR). Not counted in ClinVar's aggregate classification.

Breast Cancer Information Core (BIC) (BRCA1)
Classification: Pathogenic for Breast-ovarian cancer, familial 1. Last evaluated: 2002-05-29. Review status: no assertion criteria provided. Collection method: clinical testing. Allele origin: germline. Affected: yes. Observed: 16 variant alleles. Not counted in ClinVar's aggregate classification.

Clinical Genetics DNA and cytogenetics Diagnostics Lab, Erasmus MC, Erasmus Medical Center
Classification: Pathogenic. Review status: no assertion criteria provided. Collection method: clinical testing. Allele origin: germline. Affected: yes. Study: VKGL Data-share Consensus. Not counted in ClinVar's aggregate classification.

Clinical Genetics Laboratory, Department of Pathology, Netherlands Cancer Institute
Classification: Pathogenic. Review status: no assertion criteria provided. Collection method: clinical testing. Allele origin: germline. Affected: yes. Study: VKGL Data-share Consensus. Not counted in ClinVar's aggregate classification.

Genome Diagnostics Laboratory, University Medical Center Utrecht
Classification: Pathogenic. Review status: no assertion criteria provided. Collection method: clinical testing. Allele origin: germline. Affected: yes. Study: VKGL Data-share Consensus. Not counted in ClinVar's aggregate classification.

Literature cited by the submitters: PubMed 34981296 (cited by Women's Health and Genetics/Laboratory Corporation of America, LabCorp); PubMed 7663517 (cited by 3 submitters); PubMed 10952774 (cited by Quest Diagnostics Nichols Institute San Juan Capistrano and Ambry Genetics); PubMed 23199084 (cited by Quest Diagnostics Nichols Institute San Juan Capistrano and Ambry Genetics); PubMed 24312913 (cited by Quest Diagnostics Nichols Institute San Juan Capistrano and Ambry Genetics); PubMed 25103822 (cited by Quest Diagnostics Nichols Institute San Juan Capistrano and Ambry Genetics); PubMed 29339979 (cited by Quest Diagnostics Nichols Institute San Juan Capistrano and Labcorp Genetics (formerly Invitae), Labcorp); PubMed 20104584 (cited by Labcorp Genetics (formerly Invitae), Labcorp); PubMed 28900739 (cited by Labcorp Genetics (formerly Invitae), Labcorp).

NM_007294.4(BRCA1):c.1292dup (p.Leu431fs)

Gene: BRCA1 (BRCA1 DNA repair associated; minus strand). Cytogenetic location: 17q21.31.
Variant type: Duplication.
Coding change: c.1292dup on transcript NM_007294.4 (MANE Select); coding-DNA position 1292, one base duplicated (T; older notation c.1292dupT).
Protein change: p.Leu431fs; shifts the reading frame from leucine 431.
Molecular consequence: frameshift variant. On other transcripts: intron variant (137).
Genome position (GRCh38, 1-based): chr17:43,094,239, A duplicated on the plus strand (T on the coding strand, the reverse complement: BRCA1 is on the minus strand); the first of 2 consecutive A bases (chr17:43,094,239-43,094,240); duplicating either gives the same sequence. VCF-style (leftmost placement, unchanged base first): chr17-43094238-T-TA. GRCh37 (hg19) VCF-style: chr17-41246255-T-TA.
Other names: 1411insT; c.1292dupT (NM_007294.3); c.1079dup, p.Leu360fs (NM_001407571.1, NM_001407853.1, NM_001407894.1 and 9 more transcripts); c.1292dup, p.Leu431fs (NM_001407581.1, NM_001407582.1, NM_001407583.1 and 30 more transcripts); c.1289dup, p.Leu430fs (NM_001407587.1, NM_001407590.1, NM_001407591.1 and 22 more transcripts); c.1283dup, p.Leu428fs (NM_001407646.1, NM_001407647.1); c.1169dup, p.Leu390fs (NM_001407648.1, NM_001407664.1, NM_001407665.1 and 19 more transcripts); c.1166dup, p.Leu389fs (NM_001407649.1, NM_001407670.1, NM_001407671.1 and 11 more transcripts); and 42 more; short protein forms L384fs, L431fs, L263fs, L303fs, L319fs, L342fs, L343fs, L363fs.
Identifiers: ClinVar variation 54188 (VCV000054188.23), dbSNP rs80357528, ClinGen allele CA000843.